The following is an entry in ClinVar:

NM_002471.4(MYH6):c.3350T>G (p.Ile1117Ser)

Gene: MYH6 (myosin heavy chain 6; minus strand). Cytogenetic location: 14q11.2.
Variant type: single nucleotide variant.
Coding change: c.3350T>G on transcript NM_002471.4 (MANE Select); coding-DNA position 3350, T replaced by G.
Protein change: p.Ile1117Ser; replaces isoleucine 1117 with serine.
Molecular consequence: missense variant.
Genome position (GRCh38, 1-based): chr14:23,390,439, A>C on the plus strand (T>G on the coding strand, the complement: MYH6 is on the minus strand). VCF-style: chr14-23390439-A-C. GRCh37 (hg19) VCF-style: chr14-23859648-A-C.
Other names: short protein forms I1117S.
Identifiers: ClinVar variation 1718877 (VCV001718877.5), dbSNP rs2502160688, ClinGen allele CA389006751.

ClinVar aggregate classification (germline): Uncertain significance (1 of 4 stars; one submission).

Conditions:
Hypertrophic cardiomyopathy 14. Identifiers: MedGen C2750467, MONDO:0013197, OMIM 613251.

Submission:

Labcorp Genetics (formerly Invitae), Labcorp
Classification: Uncertain significance for Hypertrophic cardiomyopathy 14. Last evaluated: 2022-10-17. Review status: criteria provided, single submitter. Criteria: Invitae Variant Classification Sherloc (09022015). Collection method: clinical testing. Allele origin: germline.
Comment: This variant is not present in population databases (gnomAD no frequency). This sequence change replaces isoleucine, which is neutral and non-polar, with serine, which is neutral and polar, at codon 1117 of the MYH6 protein (p.Ile1117Ser). This variant has not been reported in the literature in individuals affected with MYH6-related conditions. In summary, the available evidence is currently insufficient to determine the role of this variant in disease. Therefore, it has been classified as a Variant of Uncertain Significance. Advanced modeling of protein sequence and biophysical properties (such as structural, functional, and spatial information, amino acid conservation, physicochemical variation, residue mobility, and thermodynamic stability) has been performed at Invitae for this missense variant, however the output from this modeling did not meet the statistical confidence thresholds required to predict the impact of this variant on MYH6 protein function.